The following is an entry in ClinVar:

ClinVar aggregate classification (germline): Uncertain significance (1 of 4 stars; one submission).

Conditions:
DYRK1B-related disorder. Also called: DYRK1B-related condition.

Submission:

PreventionGenetics, part of Exact Sciences
Classification: Uncertain significance for DYRK1B-related condition. Last evaluated: 2026-01-21. Review status: criteria provided, single submitter. Criteria: ACMG Guidelines, 2015. Collection method: clinical testing. Allele origin: germline.
Comment: The DYRK1B c.1724G>A variant is predicted to result in the amino acid substitution p.Cys575Tyr. To our knowledge, this variant has not been reported in the literature. This variant is reported in 0.0010% of alleles in individuals of European (Non-Finnish) descent in gnomAD. At this time, the clinical significance of this variant is uncertain due to the absence of conclusive functional and genetic evidence.

NM_004714.3(DYRK1B):c.1724G>A (p.Cys575Tyr)

Gene: DYRK1B (dual specificity tyrosine phosphorylation regulated kinase 1B; minus strand). Cytogenetic location: 19q13.2.
Variant type: single nucleotide variant.
Coding change: c.1724G>A on transcript NM_004714.3 (MANE Select); coding-DNA position 1724, G replaced by A.
Protein change: p.Cys575Tyr; replaces cysteine 575 with tyrosine.
Molecular consequence: missense variant.
Genome position (GRCh38, 1-based): chr19:39,825,881, C>T on the plus strand (G>A on the coding strand, the complement: DYRK1B is on the minus strand). VCF-style: chr19-39825881-C-T. GRCh37 (hg19) VCF-style: chr19-40316521-C-T.
Other names: c.1604G>A, p.Cys535Tyr (NM_006483.3); c.1640G>A, p.Cys547Tyr (NM_006484.3); short protein forms C535Y, C547Y, C575Y.
Identifiers: ClinVar variation 4995378 (VCV004995378.1).